The following is an entry in ClinVar:

NM_001012301.4(ARSI):c.287C>A (p.Ser96Ter)

Gene: ARSI (arylsulfatase family member I; minus strand). Cytogenetic location: 5q32.
Variant type: single nucleotide variant.
Coding change: c.287C>A on transcript NM_001012301.4 (MANE Select); coding-DNA position 287, C replaced by A.
Protein change: p.Ser96Ter; replaces serine 96 with a stop codon.
Molecular consequence: nonsense.
Genome position (GRCh38, 1-based): chr5:150,302,087, G>T on the plus strand (C>A on the coding strand, the complement: ARSI is on the minus strand). VCF-style: chr5-150302087-G-T. GRCh37 (hg19) VCF-style: chr5-149681650-G-T.
Other names: short protein forms S96*.
Identifiers: ClinVar variation 1957422 (VCV001957422.5), dbSNP rs774801277, ClinGen allele CA3510376.

ClinVar aggregate classification (germline): Uncertain significance (1 of 4 stars; one submission).

Conditions:
Spastic paraplegia. Identifiers: MedGen C0037772, HP:0001258.

Allele frequency attached by ClinVar (database versions not stated): gnomAD 0.00003; TOPMed 0.00004; ExAC 0.00005.
gnomAD v4.1: 84 of 1,599,894 alleles (0.0053%); highest among the groups gnomAD compares: Non-Finnish European, 0.0068%; no homozygotes.

Submission:

Labcorp Genetics (formerly Invitae), Labcorp
Classification: Uncertain significance for Spastic paraplegia. Last evaluated: 2022-08-19. Review status: criteria provided, single submitter. Criteria: Invitae Variant Classification Sherloc (09022015). Collection method: clinical testing. Allele origin: germline.
Comment: In summary, the available evidence is currently insufficient to determine the role of this variant in disease. Therefore, it has been classified as a Variant of Uncertain Significance. This sequence change creates a premature translational stop signal (p.Ser96*) in the ARSI gene. While this is not anticipated to result in nonsense mediated decay, it is expected to disrupt the last 474 amino acid(s) of the ARSI protein. The frequency data for this variant in the population databases is considered unreliable, as metrics indicate poor data quality at this position in the gnomAD database. This variant has not been reported in the literature in individuals affected with ARSI-related conditions. Algorithms developed to predict the effect of sequence changes on RNA splicing suggest that this variant may create or strengthen a splice site.